The following is an entry in ClinVar:

ClinVar aggregate classification (germline): Benign/Likely benign. Review status: criteria provided, multiple submitters, no conflicts (2 of 4 stars). 4 submissions from 4 submitters: Benign (1); Likely benign (3). Last evaluated 2026-05-14.

Conditions:
Hereditary cancer-predisposing syndrome. Also called: Hereditary neoplastic syndrome; Neoplastic Syndromes, Hereditary; Hereditary Cancer Syndrome; Tumor predisposition. Identifiers: Orphanet 140162, MedGen C0027672, MeSH D009386, MONDO:0015356.
Neurofibromatosis, type 1 (NF1). Also called: NEUROFIBROMATOSIS, TYPE I, SOMATIC; Neurofibromatosis, type I; VON RECKLINGHAUSEN DISEASE; Peripheral type neurofibromatosis. Identifiers: Orphanet 636, MedGen C0027831, MONDO:0018975, OMIM 162200. Disease mechanism: loss of function.

Allele frequency attached by ClinVar (database versions not stated): gnomAD exomes below 0.00001.
gnomAD v4.1: 2 of 1,612,454 alleles (0.00012%); highest among the groups gnomAD compares: Non-Finnish European, 0.00017%; no homozygotes.

Submissions (4):

Myriad Genetics, Inc.
Classification: Benign for Neurofibromatosis, type 1. Last evaluated: 2026-05-14. Review status: criteria provided, single submitter. Criteria: Myriad Autosomal Dominant, Autosomal Recessive and X-Linked Classification Criteria (2023). Collection method: clinical testing. Allele origin: unknown.
Comment: This variant is considered benign. This variant is a silent/synonymous amino acid change and it is not expected to impact splicing.

Labcorp Genetics (formerly Invitae), Labcorp
Classification: Likely benign for Neurofibromatosis, type 1. Last evaluated: 2026-01-11. Review status: criteria provided, single submitter. Criteria: Invitae Variant Classification Sherloc (09022015). Collection method: clinical testing. Allele origin: germline.

Genome-Nilou Lab
Classification: Likely benign for Neurofibromatosis, type 1. Last evaluated: 2022-03-15. Review status: criteria provided, single submitter. Criteria: ACMG Guidelines, 2015. Collection method: clinical testing. Allele origin: germline. Affected: no.

Ambry Genetics
Classification: Likely benign for Hereditary cancer-predisposing syndrome. Last evaluated: 2015-02-23. Review status: criteria provided, single submitter. Criteria: Ambry Autosomal Dominant and X-Linked criteria (10/2015). Collection method: clinical testing. Allele origin: germline. Observed: 1 variant allele.

NM_001042492.3(NF1):c.504A>G (p.Ser168=)

Gene: NF1 (neurofibromin 1; plus strand). Cytogenetic location: 17q11.2.
Variant type: single nucleotide variant.
Coding change: c.504A>G on transcript NM_001042492.3 (MANE Select); coding-DNA position 504, A replaced by G.
Protein change: p.Ser168=; no amino-acid change (serine 168 retained).
Molecular consequence: synonymous variant.
Genome position (GRCh38, 1-based): chr17:31,169,915, A>G. VCF-style: chr17-31169915-A-G. GRCh37 (hg19) VCF-style: chr17-29496933-A-G.
Other names: c.504A>G, p.Ser168= (NM_001128147.3, NM_000267.4).
Identifiers: ClinVar variation 230565 (VCV000230565.11), dbSNP rs876658638, ClinGen allele CA10580193.